The following is an entry in ClinVar:

ClinVar aggregate classification (germline): Uncertain significance (1 of 4 stars; one submission).

Conditions:
Combined immunodeficiency due to ZAP70 deficiency (IMD48). Also called: Immunodeficiency 48; ZAP70 Deficiency. Identifiers: Orphanet 911, MedGen C2931299, MONDO:0010023, OMIM 269840.

gnomAD v4.1: 1 of 1,614,022 alleles (0.000062%); highest among the groups gnomAD compares: Non-Finnish European, 0.000085%; no homozygotes.

Submission:

Labcorp Genetics (formerly Invitae), Labcorp
Classification: Uncertain significance for Combined immunodeficiency due to ZAP70 deficiency. Last evaluated: 2023-08-17. Review status: criteria provided, single submitter. Criteria: Invitae Variant Classification Sherloc (09022015). Collection method: clinical testing. Allele origin: germline.
Comment: This variant is not present in population databases (gnomAD no frequency). This sequence change replaces asparagine, which is neutral and polar, with lysine, which is basic and polar, at codon 456 of the ZAP70 protein (p.Asn456Lys). An algorithm developed to predict the effect of missense changes on protein structure and function (PolyPhen-2) suggests that this variant is likely to be disruptive. This variant has not been reported in the literature in individuals affected with ZAP70-related conditions. ClinVar contains an entry for this variant (Variation ID: 2000461). In summary, the available evidence is currently insufficient to determine the role of this variant in disease. Therefore, it has been classified as a Variant of Uncertain Significance.

NM_001079.4(ZAP70):c.1368C>A (p.Asn456Lys)

Gene: ZAP70 (zeta chain of T cell receptor associated protein kinase 70; plus strand). Cytogenetic location: 2q11.2.
Variant type: single nucleotide variant.
Coding change: c.1368C>A on transcript NM_001079.4 (MANE Select); coding-DNA position 1368, C replaced by A.
Protein change: p.Asn456Lys; replaces asparagine 456 with lysine.
Molecular consequence: missense variant.
Genome position (GRCh38, 1-based): chr2:97,737,551, C>A. VCF-style: chr2-97737551-C-A. GRCh37 (hg19) VCF-style: chr2-98354014-C-A.
Other names: c.1368C>A, p.Asn456Lys (NM_001378594.1); c.447C>A, p.Asn149Lys (NM_207519.2); short protein forms N149K, N456K.
Identifiers: ClinVar variation 2000461 (VCV002000461.4), dbSNP rs1402519359, ClinGen allele CA347803410.